The following is an entry in ClinVar:

ClinVar aggregate classification (germline): Conflicting classifications of pathogenicity. Review status: criteria provided, conflicting classifications (1 of 4 stars). 2 submissions from 2 submitters: Likely pathogenic (1); Uncertain significance (1). Last evaluated 2026-08-24.

Conditions:
Wilson disease (WND). Also called: Wilson's disease. Identifiers: Orphanet 905, MedGen C0019202, MONDO:0010200, OMIM 277900. Disease mechanism: loss of function.

Submissions (2):

Myriad Genetics, Inc.
Classification: Uncertain significance for Wilson disease. Last evaluated: 2026-08-24. Review status: criteria provided, single submitter. Criteria: Myriad Autosomal Dominant, Autosomal Recessive and X-Linked Classification Criteria (2023). Collection method: clinical testing. Allele origin: unknown.
Comment: NM_000053.3(ATP7B):c.4088C>A(S1363Y) is a missense variant classified as a variant of uncertain significance in the context of Wilson disease. S1363Y has not been observed in cases with relevant disease. Relevant functional assessments of this variant are not available in the literature. S1363Y has not been observed in referenced population frequency databases. In summary, there is insufficient evidence to classify NM_000053.3(ATP7B):c.4088C>A(S1363Y) as pathogenic or benign. Please note: this variant was assessed in the context of healthy population screening.

Mayo Clinic Laboratories, Mayo Clinic
Classification: Likely pathogenic. Last evaluated: 2025-03-20. Review status: criteria provided, single submitter. Criteria: ACMG Guidelines, 2015. Collection method: clinical testing. Allele origin: germline. Observed: 1 variant allele.
Comment: PP3_strong, PP4, PM2_supporting, PM5

Literature cited by the submitters: PubMed 10544227 (cited by Mayo Clinic Laboratories, Mayo Clinic); PubMed 19937698 (cited by Mayo Clinic Laboratories, Mayo Clinic); PubMed 21610751 (cited by Mayo Clinic Laboratories, Mayo Clinic); PubMed 22692182 (cited by Mayo Clinic Laboratories, Mayo Clinic); PubMed 24094725 (cited by Mayo Clinic Laboratories, Mayo Clinic); PubMed 24253677 (cited by Mayo Clinic Laboratories, Mayo Clinic); PubMed 34404389 (cited by Mayo Clinic Laboratories, Mayo Clinic); PubMed 37046505 (cited by Mayo Clinic Laboratories, Mayo Clinic).

NM_000053.4(ATP7B):c.4088C>A (p.Ser1363Tyr)

Gene: ATP7B (ATPase copper transporting beta; minus strand). Cytogenetic location: 13q14.3.
Variant type: single nucleotide variant.
Coding change: c.4088C>A on transcript NM_000053.4 (MANE Select); coding-DNA position 4088, C replaced by A.
Protein change: p.Ser1363Tyr; replaces serine 1363 with tyrosine.
Molecular consequence: missense variant.
Genome position (GRCh38, 1-based): chr13:51,935,629, G>T on the plus strand (C>A on the coding strand, the complement: ATP7B is on the minus strand). VCF-style: chr13-51935629-G-T. GRCh37 (hg19) VCF-style: chr13-52509765-G-T.
Other names: p.Ser1363Tyr; c.3467C>A, p.Ser1156Tyr (NM_001005918.3); c.3755C>A, p.Ser1252Tyr (NM_001243182.2); c.3854C>A, p.Ser1285Tyr (NM_001330578.2, NM_001406527.1, NM_001406528.1); c.3836C>A, p.Ser1279Tyr (NM_001330579.2, NM_001406531.1, NM_001406532.1); c.4088C>A, p.Ser1363Tyr (NM_001406511.1, NM_001406512.1); c.4082C>A, p.Ser1361Tyr (NM_001406513.1); c.4055C>A, p.Ser1352Tyr (NM_001406514.1); and 22 more; short protein forms S1237Y, S1250Y, S1298Y, S1315Y, S1318Y, S1252Y, S1285Y, S1331Y.
Identifiers: ClinVar variation 4541779 (VCV004541779.2).